The following is an entry in ClinVar:

ClinVar aggregate classification (germline): Uncertain significance. Review status: criteria provided, multiple submitters, no conflicts (2 of 4 stars). 2 submissions from 2 submitters: Uncertain significance (2). Last evaluated 2025-12-24.

Conditions:
Myopathy with tubular aggregates (TAM). Also called: Tubular Aggregate Myopathy. Identifiers: Orphanet 2593, MedGen C0410207, MONDO:0008051.
Stormorken syndrome (STRMK). Also called: THROMBOCYTOPATHY, ASPLENIA, AND MIOSIS. Identifiers: Orphanet 3204, MedGen C1861451, MONDO:0008497, OMIM 185070.
Combined immunodeficiency due to STIM1 deficiency. Also called: STIM1 DEFICIENCY; IMMUNODEFICIENCY 10. Identifiers: Orphanet 169090, Orphanet 317430, MedGen C2748557, MONDO:0013008, OMIM 612783.

Allele frequency attached by ClinVar (database versions not stated): ExAC below 0.00001; gnomAD 0.00001; gnomAD exomes 0.00001; TOPMed 0.00001.

Submissions (2):

Labcorp Genetics (formerly Invitae), Labcorp
Classification: Uncertain significance for Myopathy with tubular aggregates; Combined immunodeficiency due to STIM1 deficiency; Stormorken syndrome. Last evaluated: 2025-12-24. Review status: criteria provided, single submitter. Criteria: Invitae Variant Classification Sherloc (09022015). Collection method: clinical testing. Allele origin: germline.
Comment: This sequence change replaces arginine, which is basic and polar, with tryptophan, which is neutral and slightly polar, at codon 311 of the STIM1 protein (p.Arg311Trp). This variant is present in population databases (rs770698758, gnomAD 0.009%). This variant has not been reported in the literature in individuals affected with STIM1-related conditions. ClinVar contains an entry for this variant (Variation ID: 1004001). Invitae Evidence Modeling of protein sequence and biophysical properties (such as structural, functional, and spatial information, amino acid conservation, physicochemical variation, residue mobility, and thermodynamic stability) has been performed for this missense variant. However, the output from this modeling did not meet the statistical confidence thresholds required to predict the impact of this variant on STIM1 protein function. In summary, the available evidence is currently insufficient to determine the role of this variant in disease. Therefore, it has been classified as a Variant of Uncertain Significance.

Blueprint Genetics
Classification: Uncertain significance. Last evaluated: 2022-07-29. Review status: criteria provided, single submitter. Criteria: ACMG Guidelines, 2015. Collection method: clinical testing. Allele origin: germline.

NM_001382567.1(STIM1):c.931C>T (p.Arg311Trp)

Gene: STIM1 (stromal interaction molecule 1; plus strand). Cytogenetic location: 11p15.4.
Variant type: single nucleotide variant.
Coding change: c.931C>T on transcript NM_001382567.1 (MANE Select); coding-DNA position 931, C replaced by T.
Protein change: p.Arg311Trp; replaces arginine 311 with tryptophan.
Molecular consequence: missense variant.
Genome position (GRCh38, 1-based): chr11:4,074,641, C>T. VCF-style: chr11-4074641-C-T. GRCh37 (hg19) VCF-style: chr11-4095871-C-T.
Other names: c.931C>T, p.Arg311Trp (NM_003156.4, NM_001277961.3, NM_001277962.2 and 2 more transcripts); c.709C>T, p.Arg237Trp (NM_001382578.1, NM_001382579.1, NM_001382566.1 and 5 more transcripts); c.442C>T, p.Arg148Trp (NM_001382580.1, NM_001382581.1); c.796C>T, p.Arg266Trp (NM_001382569.1); c.703C>T, p.Arg235Trp (NM_001382570.1); c.451C>T, p.Arg151Trp (NM_001382571.1); short protein forms R148W, R151W, R235W, R237W, R266W, R311W.
Identifiers: ClinVar variation 1004001 (VCV001004001.10), dbSNP rs770698758, ClinGen allele CA5830357.
Genomic context (GRCh38, chr11:4,074,641, plus strand): 5'-AACCTTGCTAAGCAGGAAGCCCAGCGGCTGAAGGAGCTGCGGGAGGGTACTGAGAATGAG[C>T]GGAGCCGCCAAAAATATGCTGAGGAGGAGTTGGAGCAGGTAGGAGAGTCCACAAATTCCT-3'
Protein context (NP_001369496.1, residues 301-321): KELREGTENE[Arg311Trp]SRQKYAEEEL